The following is an entry in ClinVar:

NM_001376.5(DYNC1H1):c.7060G>A (p.Ala2354Thr)

Gene: DYNC1H1 (dynein cytoplasmic 1 heavy chain 1; plus strand). Cytogenetic location: 14q32.31.
Variant type: single nucleotide variant.
Coding change: c.7060G>A on transcript NM_001376.5 (MANE Select); coding-DNA position 7060, G replaced by A.
Protein change: p.Ala2354Thr; replaces alanine 2354 with threonine.
Molecular consequence: missense variant.
Genome position (GRCh38, 1-based): chr14:102,015,150, G>A. VCF-style: chr14-102015150-G-A. GRCh37 (hg19) VCF-style: chr14-102481487-G-A.
Other names: short protein forms A2354T.
Identifiers: ClinVar variation 2752036 (VCV002752036.3), dbSNP rs2503765034, ClinGen allele CA391059851.
Genomic context (GRCh38, chr14:102,015,150, plus strand): 5'-ATGTTTTCTTTCAAGGTGAGAATAATGTTTGAGGTACAGGACTTGAAATACGCGACCTTG[G>A]CCACAGTGTCGCGCTGCGGCATGGTCTGGTTCAGTGAGGATGTGCTGAGCACCGACATGA-3'
Protein context (NP_001367.2, residues 2344-2364): EVQDLKYATL[Ala2354Thr]TVSRCGMVWF

ClinVar aggregate classification (germline): Uncertain significance (1 of 4 stars; one submission).

Conditions:
Charcot-Marie-Tooth disease axonal type 2O. Also called: CHARCOT-MARIE-TOOTH NEUROPATHY, AXONAL, TYPE 2O; CHARCOT-MARIE-TOOTH DISEASE, AXONAL, AUTOSOMAL DOMINANT, TYPE 2O; Charcot-Marie-Tooth Neuropathy Type 2O; Charcot-Marie-Tooth disease, axonal, type 20. Identifiers: Orphanet 284232, MedGen C3280220, MONDO:0013644, OMIM 614228.

Submission:

Labcorp Genetics (formerly Invitae), Labcorp
Classification: Uncertain significance for Charcot-Marie-Tooth disease axonal type 2O. Last evaluated: 2023-08-17. Review status: criteria provided, single submitter. Criteria: Invitae Variant Classification Sherloc (09022015). Collection method: clinical testing. Allele origin: germline.
Comment: This sequence change replaces alanine, which is neutral and non-polar, with threonine, which is neutral and polar, at codon 2354 of the DYNC1H1 protein (p.Ala2354Thr). This variant is not present in population databases (gnomAD no frequency). This variant has not been reported in the literature in individuals affected with DYNC1H1-related conditions. Advanced modeling of protein sequence and biophysical properties (such as structural, functional, and spatial information, amino acid conservation, physicochemical variation, residue mobility, and thermodynamic stability) performed at Invitae indicates that this missense variant is expected to disrupt DYNC1H1 protein function. In summary, the available evidence is currently insufficient to determine the role of this variant in disease. Therefore, it has been classified as a Variant of Uncertain Significance.